The following is an entry in ClinVar:

ClinVar aggregate classification (germline): Likely benign (1 of 4 stars; one submission).

Conditions:
GREB1L-related disorder. Also called: GREB1L-related condition.

gnomAD v4.1: 5 of 1,551,596 alleles (0.00032%); highest among the groups gnomAD compares: African/African-American, 0.0041%; no homozygotes.

Submission:

PreventionGenetics, part of Exact Sciences
Classification: Likely benign for GREB1L-related condition. Last evaluated: 2026-08-29. Review status: criteria provided, single submitter. Criteria: ACMG Guidelines, 2015. Collection method: clinical testing. Allele origin: germline.
Comment: This variant is classified as likely benign based on ACMG/AMP sequence variant interpretation guidelines (Richards et al. 2015 PMID: 25741868, with internal and published modifications).

NM_001142966.3(GREB1L):c.1614C>G (p.Thr538=)

Genes: GREB1L (GREB1 like retinoic acid receptor coactivator; plus strand), GREB1L-AS1 (GREB1L antisense RNA 1; minus strand). Cytogenetic location: 18q11.1.
Variant type: single nucleotide variant.
Coding change: c.1614C>G on transcript NM_001142966.3 (MANE Select); coding-DNA position 1614, C replaced by G.
Protein change: p.Thr538=; no amino-acid change (threonine 538 retained).
Molecular consequence: synonymous variant. On other transcripts: intron variant (1).
Genome position (GRCh38, 1-based): chr18:21,449,730, C>G. VCF-style: chr18-21449730-C-G. GRCh37 (hg19) VCF-style: chr18-19029691-C-G.
Other names: c.1743C>G, p.Thr581= (NM_001410867.1); c.1394-1293C>G (NM_001410868.1).
Identifiers: ClinVar variation 4981047 (VCV004981047.1).